The following is an entry in ClinVar:

ClinVar aggregate classification (germline): Likely benign. Review status: criteria provided, multiple submitters, no conflicts (2 of 4 stars). 2 submissions from 2 submitters: Likely benign (2). Last evaluated 2026-08-17.

Conditions:
TTN-related disorder. Also called: TTN-related condition; TTN-related disease; TTN-related disorders.
Autosomal recessive limb-girdle muscular dystrophy type 2J (LGMDR10). Also called: Limb-girdle muscular dystrophy, type 2J; MUSCULAR DYSTROPHY, LIMB-GIRDLE, AUTOSOMAL RECESSIVE 10. Identifiers: Orphanet 140922, MedGen C1837342, MONDO:0012127, OMIM 608807.
Dilated cardiomyopathy 1G (CMD1G). Identifiers: Orphanet 154, MedGen C1858763, MONDO:0011400, OMIM 604145.

gnomAD v4.1: 3 of 1,609,834 alleles (0.00019%); no homozygotes.

Submissions (2):

PreventionGenetics, part of Exact Sciences
Classification: Likely benign for TTN-related condition. Last evaluated: 2026-08-17. Review status: criteria provided, single submitter. Criteria: ACMG Guidelines, 2015. Collection method: clinical testing. Allele origin: germline.
Comment: This variant is classified as likely benign based on ACMG/AMP sequence variant interpretation guidelines (Richards et al. 2015 PMID: 25741868, with internal and published modifications).

Labcorp Genetics (formerly Invitae), Labcorp
Classification: Likely benign for Dilated cardiomyopathy 1G; Autosomal recessive limb-girdle muscular dystrophy type 2J. Last evaluated: 2025-09-10. Review status: criteria provided, single submitter. Criteria: Invitae Variant Classification Sherloc (09022015). Collection method: clinical testing. Allele origin: germline.

NM_001267550.2(TTN):c.95417-6A>G

Genes: TTN (titin; minus strand), TTN-AS1 (TTN antisense RNA 1; plus strand). Cytogenetic location: 2q31.2.
Variant type: single nucleotide variant.
Coding change: c.95417-6A>G on transcript NM_001267550.2 (MANE Select); 6 bases into the intron before coding-DNA position 95417, A replaced by G.
Molecular consequence: intron variant.
Genome position (GRCh38, 1-based): chr2:178,545,699, T>C on the plus strand (A>G on the coding strand, the complement: TTN is on the minus strand). VCF-style: chr2-178545699-T-C. GRCh37 (hg19) VCF-style: chr2-179410426-T-C.
Other names: c.68222-6A>G (NM_003319.4); c.68798-6A>G (NM_133437.4); c.68597-6A>G (NM_133432.3); c.87713-6A>G (NM_133378.4); c.90494-6A>G (NM_001256850.1).
Identifiers: ClinVar variation 1125364 (VCV001125364.10), dbSNP rs1166561105, ClinGen allele CA1310522395.